The following is an entry in ClinVar:

NM_001040151.2(SCN3B):c.584C>T (p.Ala195Val)

Gene: SCN3B (sodium voltage-gated channel beta subunit 3; minus strand). Cytogenetic location: 11q24.1.
Variant type: single nucleotide variant.
Coding change: c.584C>T on transcript NM_001040151.2 (MANE Select); coding-DNA position 584, C replaced by T.
Protein change: p.Ala195Val; replaces alanine 195 with valine.
Molecular consequence: missense variant.
Genome position (GRCh38, 1-based): chr11:123,638,186, G>A on the plus strand (C>T on the coding strand, the complement: SCN3B is on the minus strand). VCF-style: chr11-123638186-G-A. GRCh37 (hg19) VCF-style: chr11-123508894-G-A.
Other names: c.584C>T, p.Ala195Val (NM_018400.4); short protein forms A195V.
Identifiers: ClinVar variation 1931405 (VCV001931405.5), dbSNP rs767843514, ClinGen allele CA6333983.
Genomic context (GRCh38, chr11:123,638,186, plus strand): 5'-TGAGAGCAAGCATTCTGAAGGTGCTAGCTTTCATTATTACTTTGGCATCTCTGGACTTAC[G>A]CGTTTTCTTGGGCTGCCTCTTCGGCTTTTGAGACCTTTCTGTAGCAATATATCATCTCGA-3'
Protein context (NP_001035241.1, residues 185-205): SKAEEAAQEN[Ala195Val]SDYLAIPSEN

ClinVar aggregate classification (germline): Uncertain significance (1 of 4 stars; one submission).

Conditions:
Brugada syndrome 7 (BRGDA7). Identifiers: Orphanet 130, MedGen C2751088, MONDO:0013146, OMIM 613120.

Allele frequency attached by ClinVar (database versions not stated): gnomAD 0.00001.
gnomAD v4.1: 14 of 1,613,898 alleles (0.00087%); highest among the groups gnomAD compares: South Asian, 0.0011%; no homozygotes.

Submission:

Labcorp Genetics (formerly Invitae), Labcorp
Classification: Uncertain significance for Brugada syndrome 7. Last evaluated: 2022-07-14. Review status: criteria provided, single submitter. Criteria: Invitae Variant Classification Sherloc (09022015). Collection method: clinical testing. Allele origin: germline.
Comment: This sequence change replaces alanine, which is neutral and non-polar, with valine, which is neutral and non-polar, at codon 195 of the SCN3B protein (p.Ala195Val). This variant is present in population databases (rs767843514, gnomAD 0.003%). This variant has not been reported in the literature in individuals affected with SCN3B-related conditions. Algorithms developed to predict the effect of missense changes on protein structure and function output the following: SIFT: "Tolerated"; PolyPhen-2: "Benign"; Align-GVGD: "Class C0". The valine amino acid residue is found in multiple mammalian species, which suggests that this missense change does not adversely affect protein function. In summary, the available evidence is currently insufficient to determine the role of this variant in disease. Therefore, it has been classified as a Variant of Uncertain Significance.